The following is an entry in ClinVar:

NM_015978.3(TNNI3K):c.1183G>T (p.Asp395Tyr)

Genes: FPGT-TNNI3K (FPGT-TNNI3K readthrough; plus strand), TNNI3K (TNNI3 interacting kinase; plus strand). Cytogenetic location: 1p31.1.
Variant type: single nucleotide variant.
Coding change: c.1183G>T on transcript NM_015978.3 (MANE Select); coding-DNA position 1183, G replaced by T.
Protein change: p.Asp395Tyr; replaces aspartic acid 395 with tyrosine.
Molecular consequence: missense variant.
Genome position (GRCh38, 1-based): chr1:74,367,261, G>T. VCF-style: chr1-74367261-G-T. GRCh37 (hg19) VCF-style: chr1-74832945-G-T.
Other names: c.1486G>T, p.Asp496Tyr (NM_001112808.3, NM_001199327.2); short protein forms D395Y, D496Y.
Identifiers: ClinVar variation 3691172 (VCV003691172.2).

ClinVar aggregate classification (germline): Uncertain significance (1 of 4 stars; one submission).

Submission:

Labcorp Genetics (formerly Invitae), Labcorp
Classification: Uncertain significance. Last evaluated: 2024-02-02. Review status: criteria provided, single submitter. Criteria: Invitae Variant Classification Sherloc (09022015). Collection method: clinical testing. Allele origin: germline.
Comment: This sequence change replaces aspartic acid, which is acidic and polar, with tyrosine, which is neutral and polar, at codon 395 of the TNNI3K protein (p.Asp395Tyr). This variant is not present in population databases (gnomAD no frequency). This variant has not been reported in the literature in individuals affected with TNNI3K-related conditions. Advanced modeling of protein sequence and biophysical properties (such as structural, functional, and spatial information, amino acid conservation, physicochemical variation, residue mobility, and thermodynamic stability) performed at Invitae indicates that this missense variant is not expected to disrupt TNNI3K protein function with a negative predictive value of 80%. In summary, the available evidence is currently insufficient to determine the role of this variant in disease. Therefore, it has been classified as a Variant of Uncertain Significance.